The following is an entry in ClinVar:

NM_001267550.2(TTN):c.51185G>A (p.Ser17062Asn)

Genes: TTN (titin; minus strand), TTN-AS1 (TTN antisense RNA 1; plus strand). Cytogenetic location: 2q31.2.
Variant type: single nucleotide variant.
Coding change: c.51185G>A on transcript NM_001267550.2 (MANE Select); coding-DNA position 51185, G replaced by A.
Protein change: p.Ser17062Asn; replaces serine 17062 with asparagine.
Molecular consequence: missense variant.
Genome position (GRCh38, 1-based): chr2:178,610,341, C>T on the plus strand (G>A on the coding strand, the complement: TTN is on the minus strand). VCF-style: chr2-178610341-C-T. GRCh37 (hg19) VCF-style: chr2-179475068-C-T.
Other names: c.46262G>A, p.Ser15421Asn (NM_001256850.1); c.23990G>A, p.Ser7997Asn (NM_003319.4); c.24365G>A, p.Ser8122Asn (NM_133432.3); c.24566G>A, p.Ser8189Asn (NM_133437.4); c.43481G>A, p.Ser14494Asn (NM_133378.4); short protein forms S14494N, S17062N, S8189N, S7997N, S8122N, S15421N.
Identifiers: ClinVar variation 229450 (VCV000229450.8), dbSNP rs876658064, ClinGen allele CA10576520.

ClinVar aggregate classification (germline): Conflicting classifications of pathogenicity. Review status: criteria provided, conflicting classifications (1 of 4 stars). 4 submissions from 4 submitters: Uncertain significance (3); Likely benign (1). Last evaluated 2026-03-27.

Conditions:
Autosomal recessive limb-girdle muscular dystrophy type 2J (LGMDR10). Also called: MUSCULAR DYSTROPHY, LIMB-GIRDLE, AUTOSOMAL RECESSIVE 10; Limb-girdle muscular dystrophy, type 2J. Identifiers: Orphanet 140922, MedGen C1837342, MONDO:0012127, OMIM 608807.
Tibial muscular dystrophy (TMD). Also called: Udd Distal Myopathy – Tibial Muscular Dystrophy; UDD MYOPATHY; Tibial muscular dystrophy, tardive. Identifiers: Orphanet 609, MedGen C1838244, MONDO:0010870, OMIM 600334.
Dilated cardiomyopathy 1G (CMD1G). Identifiers: Orphanet 154, MedGen C1858763, MONDO:0011400, OMIM 604145.
Early-onset myopathy with fatal cardiomyopathy (CMYO5). Also called: CONGENITAL MYOPATHY 5 WITH CARDIOMYOPATHY; Salih Myopathy. Identifiers: Orphanet 289377, MedGen C2673677, MONDO:0012714, OMIM 611705. Disease mechanism: loss of function.
Myopathy, myofibrillar, 9, with early respiratory failure (MFM9). Also called: EDSTROM MYOPATHY; MYOPATHY, PROXIMAL, WITH EARLY RESPIRATORY MUSCLE INVOLVEMENT; Hereditary myopathy with early respiratory failure; Myopathy, distal, with early respiratory failure, autosomal dominant. Identifiers: Orphanet 178464, Orphanet 34521, MedGen C1863599, MONDO:0011362, OMIM 603689.
Hypertrophic cardiomyopathy 9. Also called: Familial hypertrophic cardiomyopathy 9. Identifiers: MedGen C1861065, MONDO:0013412, OMIM 613765.

Allele frequency attached by ClinVar (database versions not stated): gnomAD 0.00004 and 0.00005; TOPMed 0.00006.
gnomAD v4.1: 10 of 1,612,684 alleles (0.00062%); highest among the groups gnomAD compares: African/African-American, 0.012%; no homozygotes.

Submissions (4):

Molecular Diagnostic Laboratory for Inherited Cardiovascular Disease, Montreal Heart Institute
Classification: Likely benign. Last evaluated: 2026-03-27. Review status: criteria provided, single submitter. Criteria: ACMG Guidelines, 2015. Collection method: clinical testing. Allele origin: germline. Affected: no.
Comment: BP1

Fulgent Genetics
Classification: Uncertain significance for Tibial muscular dystrophy; Myopathy, myofibrillar, 9, with early respiratory failure; Dilated cardiomyopathy 1G; Autosomal recessive limb-girdle muscular dystrophy type 2J; Early-onset myopathy with fatal cardiomyopathy; Hypertrophic cardiomyopathy 9. Last evaluated: 2021-10-14. Review status: criteria provided, single submitter. Criteria: ACMG Guidelines, 2015. Collection method: clinical testing. Allele origin: unknown.

Women's Health and Genetics/Laboratory Corporation of America, LabCorp
Classification: Uncertain significance. Last evaluated: 2021-01-14. Review status: criteria provided, single submitter. Criteria: LabCorp Variant Classification Summary - May 2015. Collection method: clinical testing. Allele origin: germline.
Comment: Variant summary: TTN c.43481G>A (p.Ser14494Asn) results in a conservative amino acid change located in the A-band of the encoded protein sequence. Five of five in-silico tools predict a benign effect of the variant on protein function. The variant was absent in 248358 control chromosomes. The available data on variant occurrences in the general population are insufficient to allow any conclusion about variant significance. c.43481G>A has been reported in the literature in one individual affected with HCM (Lopes_2013). This report does not provide unequivocal conclusions about association of the variant with Dilated Cardiomyopathy. Co-occurrence with a pathogenic variant has been reported (MYBPC3 c.484C>T, p.Gln162X), providing supporting evidence for a benign role. To our knowledge, no experimental evidence demonstrating an impact on protein function has been reported. One clinical diagnostic laboratory has submitted clinical-significance assessments for this variant to ClinVar after 2014 without evidence for independent evaluation and classified the variant as uncertain significance. Based on the evidence outlined above, the variant was classified as uncertain significance.

Laboratory for Molecular Medicine, Mass General Brigham Personalized Medicine
Classification: Uncertain significance. Last evaluated: 2015-02-05. Review status: criteria provided, single submitter. Criteria: LMM Criteria. Collection method: clinical testing. Allele origin: germline. Observed: 1 variant allele.
Comment: Variant classified as Uncertain Significance - Favor Benign. The p.Ser14494Asn v ariant in TTN has not been previously reported in individuals with cardiomyopath y or in large population studies. Computational prediction tools do not provide strong support for or against an impact to the protein. Serine (Ser) at position 14494 is not well conserved in evolution with 2 mammals (pika and star-nosed mo le), multiple birds, as well as several reptiles and fish species having an aspa ragine (Asn) at this position, suggesting that this change may be tolerated. In summary, while the clinical significance of the p.Ser14494Asn variant is uncerta in, the presence of the variant amino acid in multiple other species suggests th at it is more likely to be benign.

Literature cited by the submitters: PubMed 23396983 (cited by Women's Health and Genetics/Laboratory Corporation of America, LabCorp).